The following is an entry in ClinVar:

NM_018297.4(NGLY1):c.1771C>G (p.Gln591Glu)

Gene: NGLY1 (N-glycanase 1; minus strand). Cytogenetic location: 3p24.2.
Variant type: single nucleotide variant.
Coding change: c.1771C>G on transcript NM_018297.4 (MANE Select); coding-DNA position 1771, C replaced by G.
Protein change: p.Gln591Glu; replaces glutamine 591 with glutamic acid.
Molecular consequence: missense variant. On other transcripts: intron variant (1).
Genome position (GRCh38, 1-based): chr3:25,720,032, G>C on the plus strand (C>G on the coding strand, the complement: NGLY1 is on the minus strand). VCF-style: chr3-25720032-G-C. GRCh37 (hg19) VCF-style: chr3-25761523-G-C.
Other names: c.1717C>G, p.Gln573Glu (NM_001145293.2); c.1645C>G, p.Gln549Glu (NM_001145294.2); c.1612-397C>G (NM_001145295.2); short protein forms Q549E, Q591E, Q573E.
Identifiers: ClinVar variation 541263 (VCV000541263.8), dbSNP rs765145201, ClinGen allele CA2289078.

ClinVar aggregate classification (germline): Uncertain significance (1 of 4 stars; one submission).

Conditions:
Congenital disorder of deglycosylation (CDDG). Identifiers: MedGen C3808991, MONDO:0031376.

Allele frequency attached by ClinVar (database versions not stated): ExAC 0.00003; gnomAD exomes 0.00001 and 0.00003; TOPMed below 0.00001.
gnomAD v4.1: 8 of 1,612,738 alleles (0.0005%); highest among the groups gnomAD compares: Admixed American, 0.013%; no homozygotes.

Submission:

Labcorp Genetics (formerly Invitae), Labcorp
Classification: Uncertain significance for Congenital disorder of deglycosylation. Last evaluated: 2024-11-05. Review status: criteria provided, single submitter. Criteria: Invitae Variant Classification Sherloc (09022015). Collection method: clinical testing. Allele origin: germline.
Comment: This sequence change replaces glutamine, which is neutral and polar, with glutamic acid, which is acidic and polar, at codon 591 of the NGLY1 protein (p.Gln591Glu). This variant is present in population databases (rs765145201, gnomAD 0.02%). This variant has not been reported in the literature in individuals affected with NGLY1-related conditions. ClinVar contains an entry for this variant (Variation ID: 541263). Invitae Evidence Modeling of protein sequence and biophysical properties (such as structural, functional, and spatial information, amino acid conservation, physicochemical variation, residue mobility, and thermodynamic stability) indicates that this missense variant is not expected to disrupt NGLY1 protein function with a negative predictive value of 80%. In summary, the available evidence is currently insufficient to determine the role of this variant in disease. Therefore, it has been classified as a Variant of Uncertain Significance.